The following is an entry in ClinVar:

ClinVar aggregate classification (germline): Benign/Likely benign. Review status: criteria provided, multiple submitters, no conflicts (2 of 4 stars). 4 submissions from 4 submitters: Benign (1); Likely benign (2). 1 of the submissions does not count toward it. Last evaluated 2026-01-26.

Conditions:
DNAH1-related disorder. Also called: DNAH1-related condition.
Spermatogenic failure 18. Identifiers: MedGen C4539783, MONDO:0054615, OMIM 617576.
Ciliary dyskinesia, primary, 37 (CILD37). Also called: CILIARY DYSKINESIA, PRIMARY, 37, WITH OR WITHOUT SITUS INVERSUS. Identifiers: MedGen C4539798, MONDO:0033204, OMIM 617577.

Allele frequency attached by ClinVar (database versions not stated): 1000 Genomes Project 0.00040; 1000 Genomes Project 30x 0.00047; TOPMed 0.00144; ESP Exome Variant Server 0.00171; gnomAD exomes 0.00181 and 0.00256; ExAC 0.00256; gnomAD 0.00259 and 0.00273.
gnomAD v4.1: 3,024 of 1,613,500 alleles (0.19%); highest among the groups gnomAD compares: Non-Finnish European, 0.19%; 17 homozygotes.

Submissions (13):

Labcorp Genetics (formerly Invitae), Labcorp
Classification: Benign for Ciliary dyskinesia, primary, 37; Spermatogenic failure 18. Last evaluated: 2026-01-26. Review status: criteria provided, single submitter. Criteria: Invitae Variant Classification Sherloc (09022015). Collection method: clinical testing. Allele origin: germline.

Mayo Clinic Laboratories, Mayo Clinic
Classification: Likely benign. Last evaluated: 2025-01-20. Review status: criteria provided, single submitter. Criteria: ACMG Guidelines, 2015. Collection method: clinical testing. Allele origin: germline. Observed: 1 variant allele.
Comment: BS1, BS2_supporting, BP4_moderate

CeGaT Center for Human Genetics Tuebingen
Classification: Likely benign. Last evaluated: 2024-12-01. Review status: criteria provided, single submitter. Criteria: CeGaT Center For Human Genetics Tuebingen Variant Classification Criteria Version 2. Collection method: clinical testing. Allele origin: germline. Affected: yes. Observed: 6 variant alleles.
Comment: DNAH1: BP4, BS2

PreventionGenetics, part of Exact Sciences
Classification: Benign for DNAH1-related condition. Last evaluated: 2020-02-03. Review status: no assertion criteria provided. Collection method: clinical testing. Allele origin: germline. Not counted in ClinVar's aggregate classification.
Comment: This variant is classified as benign based on ACMG/AMP sequence variant interpretation guidelines (Richards et al. 2015 PMID: 25741868, with internal and published modifications).

Dr. Peter K. Rogan Lab, Western University
No classification provided (evidence only). Condition: Familial cancer of breast. Review status: no classification provided. Collection method: in vitro. Allele origin: not applicable. Functional consequence: retained intron. Not counted in ClinVar's aggregate classification.

Dr. Peter K. Rogan Lab, Western University
No classification provided (evidence only). Condition: Familial cancer of breast. Review status: no classification provided. Collection method: in vitro. Allele origin: not applicable. Functional consequence: retained intron. Not counted in ClinVar's aggregate classification.

Dr. Peter K. Rogan Lab, Western University
No classification provided (evidence only). Condition: Hepatocellular carcinoma. Review status: no classification provided. Collection method: in vitro. Allele origin: not applicable. Functional consequence: retained intron. Not counted in ClinVar's aggregate classification.

Dr. Peter K. Rogan Lab, Western University
No classification provided (evidence only). Condition: Ovarian serous cystadenocarcinoma. Review status: no classification provided. Collection method: in vitro. Allele origin: not applicable. Functional consequence: retained intron. Not counted in ClinVar's aggregate classification.

Dr. Peter K. Rogan Lab, Western University
No classification provided (evidence only). Condition: Gastric cancer. Review status: no classification provided. Collection method: in vitro. Allele origin: not applicable. Functional consequence: retained intron. Not counted in ClinVar's aggregate classification.

Dr. Peter K. Rogan Lab, Western University
No classification provided (evidence only). Condition: Gastric cancer. Review status: no classification provided. Collection method: in vitro. Allele origin: not applicable. Functional consequence: retained intron. Not counted in ClinVar's aggregate classification.

Dr. Peter K. Rogan Lab, Western University
No classification provided (evidence only). Condition: Gastric cancer. Review status: no classification provided. Collection method: in vitro. Allele origin: not applicable. Functional consequence: retained intron. Not counted in ClinVar's aggregate classification.

Dr. Peter K. Rogan Lab, Western University
No classification provided (evidence only). Condition: Gastric cancer. Review status: no classification provided. Collection method: in vitro. Allele origin: not applicable. Functional consequence: retained intron. Not counted in ClinVar's aggregate classification.

Dr. Peter K. Rogan Lab, Western University
No classification provided (evidence only). Condition: Gastric cancer. Review status: no classification provided. Collection method: in vitro. Allele origin: not applicable. Functional consequence: retained intron. Not counted in ClinVar's aggregate classification.

NM_015512.5(DNAH1):c.7375G>A (p.Glu2459Lys)

Gene: DNAH1 (dynein axonemal heavy chain 1; plus strand). Cytogenetic location: 3p21.1.
Variant type: single nucleotide variant.
Coding change: c.7375G>A on transcript NM_015512.5 (MANE Select); coding-DNA position 7375, G replaced by A.
Protein change: p.Glu2459Lys; replaces glutamic acid 2459 with lysine.
Molecular consequence: missense variant.
Genome position (GRCh38, 1-based): chr3:52,378,778, G>A. VCF-style: chr3-52378778-G-A. GRCh37 (hg19) VCF-style: chr3-52412794-G-A.
Other names: p.Glu2459Lys; short protein forms E2459K.
Identifiers: ClinVar variation 544656 (VCV000544656.38), dbSNP rs201064587, ClinGen allele CA2434865.